The following is an entry in ClinVar:

NM_002180.3(IGHMBP2):c.808C>T (p.Arg270Cys)

Gene: IGHMBP2 (immunoglobulin mu DNA binding protein 2; plus strand). Cytogenetic location: 11q13.3.
Variant type: single nucleotide variant.
Coding change: c.808C>T on transcript NM_002180.3 (MANE Select); coding-DNA position 808, C replaced by T.
Protein change: p.Arg270Cys; replaces arginine 270 with cysteine.
Molecular consequence: missense variant.
Genome position (GRCh38, 1-based): chr11:68,914,919, C>T. VCF-style: chr11-68914919-C-T. GRCh37 (hg19) VCF-style: chr11-68682387-C-T.
Other names: c.808C>T (NM_002180.2); short protein forms R270C.
Identifiers: ClinVar variation 198144 (VCV000198144.9), dbSNP rs201054207, ClinGen allele CA246647.

ClinVar aggregate classification (germline): Uncertain significance. Review status: criteria provided, multiple submitters, no conflicts (2 of 4 stars). 4 submissions from 4 submitters: Uncertain significance (4). Last evaluated 2025-11-11.

Conditions:
Charcot-Marie-Tooth disease axonal type 2S. Also called: CHARCOT-MARIE-TOOTH NEUROPATHY, TYPE 2S; CHARCOT-MARIE-TOOTH DISEASE, AXONAL, AUTOSOMAL RECESSIVE, TYPE 2S. Identifiers: Orphanet 443073, MedGen C4015349, MONDO:0014511, OMIM 616155.
Autosomal recessive distal spinal muscular atrophy 1. Also called: Spinal muscular atrophy with respiratory distress 1; NEURONOPATHY, DISTAL HEREDITARY MOTOR, HARDING TYPE VI; NEUROPATHY, DISTAL HEREDITARY MOTOR, AUTOSOMAL RECESSIVE 1; HMN VI; NEURONOPATHY, SEVERE INFANTILE AXONAL, WITH RESPIRATORY FAILURE; SEVERE INFANTILE AXONAL NEUROPATHY WITH RESPIRATORY FAILURE. Identifiers: Orphanet 98920, MedGen C1858517, MONDO:0011436, OMIM 604320.
Inborn genetic diseases. Identifiers: MedGen C0950123, MeSH D030342.

Allele frequency attached by ClinVar (database versions not stated): ExAC 0.00002; gnomAD exomes 0.00002 and 0.00004; TOPMed 0.00002; gnomAD 0.00003 and 0.00004; 1000 Genomes Project 30x 0.00031; 1000 Genomes Project 0.00040.
gnomAD v4.1: 40 of 1,614,148 alleles (0.0025%); highest among the groups gnomAD compares: Admixed American, 0.028%; no homozygotes.

Submissions (4):

Ambry Genetics
Classification: Uncertain significance for Inborn genetic diseases. Last evaluated: 2025-11-11. Review status: criteria provided, single submitter. Criteria: Ambry Variant Classification Scheme 2023. Collection method: clinical testing. Allele origin: germline.

Labcorp Genetics (formerly Invitae), Labcorp
Classification: Uncertain significance for Autosomal recessive distal spinal muscular atrophy 1; Charcot-Marie-Tooth disease axonal type 2S. Last evaluated: 2021-11-30. Review status: criteria provided, single submitter. Criteria: Invitae Variant Classification Sherloc (09022015). Collection method: clinical testing. Allele origin: germline.
Comment: This sequence change replaces arginine, which is basic and polar, with cysteine, which is neutral and slightly polar, at codon 270 of the IGHMBP2 protein (p.Arg270Cys). This variant is present in population databases (rs201054207, gnomAD 0.02%). This variant has not been reported in the literature in individuals affected with IGHMBP2-related conditions. ClinVar contains an entry for this variant (Variation ID: 198144). Advanced modeling of protein sequence and biophysical properties (such as structural, functional, and spatial information, amino acid conservation, physicochemical variation, residue mobility, and thermodynamic stability) performed at Invitae indicates that this missense variant is expected to disrupt IGHMBP2 protein function. In summary, the available evidence is currently insufficient to determine the role of this variant in disease. Therefore, it has been classified as a Variant of Uncertain Significance.

Fulgent Genetics
Classification: Uncertain significance for Autosomal recessive distal spinal muscular atrophy 1; Charcot-Marie-Tooth disease axonal type 2S. Last evaluated: 2018-10-31. Review status: criteria provided, single submitter. Criteria: ACMG Guidelines, 2015. Collection method: clinical testing. Allele origin: unknown.

Eurofins Ntd Llc (ga)
Classification: Uncertain significance. Last evaluated: 2015-03-09. Review status: criteria provided, single submitter. Criteria: EGL Classification Definitions 2015. Collection method: clinical testing. Allele origin: germline. Observed: 1 variant allele, 1 heterozygote.